The following is an entry in ClinVar:

NM_005391.5(PDK3):c.1205A>G (p.Tyr402Cys)

Gene: PDK3 (pyruvate dehydrogenase kinase 3; plus strand). Cytogenetic location: Xp22.11.
Variant type: single nucleotide variant.
Coding change: c.1205A>G on transcript NM_005391.5 (MANE Select); coding-DNA position 1205, A replaced by G.
Protein change: p.Tyr402Cys; replaces tyrosine 402 with cysteine.
Molecular consequence: missense variant.
Genome position (GRCh38, 1-based): chrX:24,534,056, A>G. VCF-style: chrX-24534056-A-G. GRCh37 (hg19) VCF-style: chrX-24552173-A-G.
Other names: c.1205A>G, p.Tyr402Cys (NM_001142386.3); short protein forms Y402C.
Identifiers: ClinVar variation 1045059 (VCV001045059.8), dbSNP rs762702094, ClinGen allele CA10372408.

ClinVar aggregate classification (germline): Uncertain significance (1 of 4 stars; one submission).

Conditions:
Charcot-Marie-Tooth disease X-linked dominant 6. Also called: CHARCOT-MARIE-TOOTH NEUROPATHY, X-LINKED DOMINANT, 6. Identifiers: Orphanet 352675, MedGen C3806702, MONDO:0010479, OMIM 300905.

Allele frequency attached by ClinVar (database versions not stated): ExAC 0.00001; gnomAD exomes 0.00001.

Submission:

Labcorp Genetics (formerly Invitae), Labcorp
Classification: Uncertain significance for Charcot-Marie-Tooth disease X-linked dominant 6. Last evaluated: 2023-08-09. Review status: criteria provided, single submitter. Criteria: Invitae Variant Classification Sherloc (09022015). Collection method: clinical testing. Allele origin: germline.
Comment: In summary, the available evidence is currently insufficient to determine the role of this variant in disease. Therefore, it has been classified as a Variant of Uncertain Significance. An algorithm developed to predict the effect of missense changes on protein structure and function (PolyPhen-2) suggests that this variant is likely to be tolerated. ClinVar contains an entry for this variant (Variation ID: 1045059). This variant has not been reported in the literature in individuals affected with PDK3-related conditions. This variant is present in population databases (rs762702094, gnomAD 0.006%), including at least one homozygous and/or hemizygous individual. This sequence change replaces tyrosine, which is neutral and polar, with cysteine, which is neutral and slightly polar, at codon 402 of the PDK3 protein (p.Tyr402Cys).